The following is an entry in ClinVar:

ClinVar aggregate classification (germline): Uncertain significance. Review status: criteria provided, multiple submitters, no conflicts (2 of 4 stars). 9 submissions from 9 submitters: Uncertain significance (7). 2 of the submissions do not count toward it. Last evaluated 2026-08-14.

Conditions:
Cardiovascular phenotype. Identifiers: MedGen CN230736.
MYH6-related disorder. Also called: MYH6-Related Disorders; MYH6-related condition.
Hypertrophic cardiomyopathy 1 (CMH1). Also called: Familial hypertrophic cardiomyopathy 1; MYH7-Related Familial Hypertrophic Cardiomyopathy. Identifiers: MedGen C3495498, MONDO:0008647, OMIM 192600.
Dilated cardiomyopathy 1EE (CMD1EE). Identifiers: Orphanet 154, MedGen C2750466, MONDO:0013198, OMIM 613252.
Hypertrophic cardiomyopathy 14. Identifiers: MedGen C2750467, MONDO:0013197, OMIM 613251.
Atrial septal defect 3 (ASD3). Identifiers: Orphanet 1478, MedGen C3279790, MONDO:0013567, OMIM 614089.
Sick sinus syndrome 3, susceptibility to (SSS3). Identifiers: Orphanet 166282, MedGen C3279791, MONDO:0013568, OMIM 614090.

Allele frequency attached by ClinVar (database versions not stated): gnomAD exomes 0.00003; ExAC 0.00004; TOPMed 0.00004; gnomAD 0.00008 and 0.00009.
gnomAD v4.1: 62 of 1,614,010 alleles (0.0038%); highest among the groups gnomAD compares: Middle Eastern, 0.16%; no homozygotes.

Submissions (9):

PreventionGenetics, part of Exact Sciences
Classification: Uncertain significance for MYH6-related condition. Last evaluated: 2026-08-14. Review status: criteria provided, single submitter. Criteria: ACMG Guidelines, 2015. Collection method: clinical testing. Allele origin: germline.
Comment: The MYH6 c.4828C>T variant is predicted to result in the amino acid substitution p.Arg1610Cys. This variant has been reported in the homozygous state in an individual with atrial and ventricular septal defects (Tables S1 and S3, Jin et al. 2017. PubMed ID: 28991257), has also documented in individuals with left ventricular noncompaction (Table S2, Richard et al. 2019. PubMed ID: 30471092; Table S2, Cambon-Viala et al. 2021. PubMed ID: 34088380; Lin et al. 2021. PubMed ID: 34819141), and has been documented in individuals with dilated cardiomyopathy and congenital heart defects (Sheet 8, Ingles et al. 2019. PubMed ID: 30681346; Table S2, Burstein et al. 2021. PubMed ID: 32746448; Sierant et al. 2025. PubMed ID: 40127276). However, no additional studies were performed to help assess the pathogenicity of this variant. This variant is reported in 0.0050% of alleles in individuals of East Asian descent in gnomAD and is interpreted as uncertain significance in ClinVar (Variatio ID: 228895). Although we suspect this variant is pathogenic, at this time, the clinical significance of this variant is uncertain due to the absence of conclusive functional and genetic evidence.

Labcorp Genetics (formerly Invitae), Labcorp
Classification: Uncertain significance for Hypertrophic cardiomyopathy 14. Last evaluated: 2025-12-26. Review status: criteria provided, single submitter. Criteria: Invitae Variant Classification Sherloc (09022015). Collection method: clinical testing. Allele origin: germline.
Comment: This sequence change replaces arginine, which is basic and polar, with cysteine, which is neutral and slightly polar, at codon 1610 of the MYH6 protein (p.Arg1610Cys). This variant is present in population databases (rs780726611, gnomAD 0.005%). This missense change has been observed in individual(s) with congenital heart disease, dilated cardiomyopathy, or left ventricular noncompaction (PMID: 28991257, 30471092, 32746448). ClinVar contains an entry for this variant (Variation ID: 228895). Invitae Evidence Modeling of protein sequence and biophysical properties (such as structural, functional, and spatial information, amino acid conservation, physicochemical variation, residue mobility, and thermodynamic stability) indicates that this missense variant is expected to disrupt MYH6 protein function with a positive predictive value of 80%. In summary, the available evidence is currently insufficient to determine the role of this variant in disease. Therefore, it has been classified as a Variant of Uncertain Significance.

Genomic Medicine Center of Excellence, King Faisal Specialist Hospital and Research Centre
Classification: Uncertain significance for Atrial septal defect 3. Last evaluated: 2024-12-19. Review status: criteria provided, single submitter. Criteria: ACMG Guidelines, 2015. Collection method: clinical testing. Allele origin: germline.

Ambry Genetics
Classification: Uncertain significance for Cardiovascular phenotype. Last evaluated: 2022-09-07. Review status: criteria provided, single submitter. Criteria: Ambry Variant Classification Scheme 2023. Collection method: clinical testing. Allele origin: germline.
Comment: The p.R1610C variant (also known as c.4828C>T), located in coding exon 31 of the MYH6 gene, results from a C to T substitution at nucleotide position 4828. The arginine at codon 1610 is replaced by cysteine, an amino acid with highly dissimilar properties. This variant was reported in a congenital heart defect exome cohort, in one individual who had atrial and septal cardiac defects (Jin SC et al. Nat. Genet., 2017 Nov;49:1593-1601). This amino acid position is highly conserved in available vertebrate species. In addition, this alteration is predicted to be deleterious by in silico analysis. Since supporting evidence is limited at this time, the clinical significance of this alteration remains unclear.

Fulgent Genetics
Classification: Uncertain significance for Hypertrophic cardiomyopathy 1; Hypertrophic cardiomyopathy 14; Dilated cardiomyopathy 1EE; Atrial septal defect 3; Sick sinus syndrome 3, susceptibility to. Last evaluated: 2021-10-04. Review status: criteria provided, single submitter. Criteria: ACMG Guidelines, 2015. Collection method: clinical testing. Allele origin: unknown.

Revvity Omics, Revvity
Classification: Uncertain significance. Last evaluated: 2021-09-08. Review status: criteria provided, single submitter. Criteria: ACMG Guidelines, 2015. Collection method: clinical testing. Allele origin: germline.

Laboratory for Molecular Medicine, Mass General Brigham Personalized Medicine
Classification: Uncertain significance. Last evaluated: 2015-06-24. Review status: criteria provided, single submitter. Criteria: LMM Criteria. Collection method: clinical testing. Allele origin: germline. Observed: 2 variant alleles.
Comment: The p.Arg1610Cys variant in MYH6 has not been previously reported in individuals with cardiomyopathy, but has been identified in 2/66740 European American chrom osomes by the Exome Aggregation Consortium (ExAC ). Arginine (Arg) at position 1610 is not conserved in evolution and 1 mammal (m anatee) carries a cysteine (Cys) at this position, raising the possibility that this change may be tolerated. However, additional computational prediction tools suggest that the p.Arg1610Cys variant may impact the protein, though this infor mation is not predictive enough to determine pathogenicity. In summary, the clin ical significance of the p.Arg1610Cys variant is uncertain.

Genome Diagnostics Laboratory, Amsterdam University Medical Center
Classification: Uncertain significance. Review status: no assertion criteria provided. Collection method: clinical testing. Allele origin: germline. Affected: yes. Study: VKGL Data-share Consensus. Not counted in ClinVar's aggregate classification.

Laboratory of Diagnostic Genome Analysis, Leiden University Medical Center (LUMC)
Classification: Uncertain significance. Review status: no assertion criteria provided. Collection method: clinical testing. Allele origin: germline. Affected: yes. Study: VKGL Data-share Consensus. Not counted in ClinVar's aggregate classification.

Literature cited by the submitters: PubMed 28991257 (cited by Labcorp Genetics (formerly Invitae), Labcorp and Ambry Genetics); PubMed 30471092 (cited by Labcorp Genetics (formerly Invitae), Labcorp and Ambry Genetics); PubMed 32746448 (cited by Labcorp Genetics (formerly Invitae), Labcorp and Ambry Genetics); PubMed 34088380 (cited by Ambry Genetics).

NM_002471.4(MYH6):c.4828C>T (p.Arg1610Cys)

Genes: MYH6 (myosin heavy chain 6; minus strand), LOC126861896 (BRD4-independent group 4 enhancer GRCh37_chr14:23854904-23856103; plus strand). Cytogenetic location: 14q11.2.
Variant type: single nucleotide variant.
Coding change: c.4828C>T on transcript NM_002471.4 (MANE Select); coding-DNA position 4828, C replaced by T.
Protein change: p.Arg1610Cys; replaces arginine 1610 with cysteine.
Molecular consequence: missense variant.
Genome position (GRCh38, 1-based): chr14:23,386,446, G>A on the plus strand (C>T on the coding strand, the complement: MYH6 is on the minus strand). VCF-style: chr14-23386446-G-A. GRCh37 (hg19) VCF-style: chr14-23855655-G-A.
Other names: short protein forms R1610C.
Identifiers: ClinVar variation 228895 (VCV000228895.22), dbSNP rs780726611, ClinGen allele CA7114630.